The following is an entry in ClinVar:

NM_018706.7(DHTKD1):c.2356A>G (p.Thr786Ala)

Gene: DHTKD1 (dehydrogenase E1 and transketolase domain containing 1; plus strand). Cytogenetic location: 10p14.
Variant type: single nucleotide variant.
Coding change: c.2356A>G on transcript NM_018706.7 (MANE Select); coding-DNA position 2356, A replaced by G.
Protein change: p.Thr786Ala; replaces threonine 786 with alanine.
Molecular consequence: missense variant.
Genome position (GRCh38, 1-based): chr10:12,117,709, A>G. VCF-style: chr10-12117709-A-G. GRCh37 (hg19) VCF-style: chr10-12159708-A-G.
Other names: short protein forms T786A.
Identifiers: ClinVar variation 2862318 (VCV002862318.3), dbSNP rs1833442782, ClinGen allele CA376014995.
Genomic context (GRCh38, chr10:12,117,709, plus strand): 5'-TGTGTGGCCTCTTCTCCCTCGTAGGCAGCCGTGTCAACTCTTCAAGAAATGGCACCAGGA[A>G]CAACATTTAACCCGGTCATTGGTGATTCATCTGTGGATCCAAAAAAGTAAGATATGTATC-3'
Protein context (NP_061176.4, residues 776-796): VSTLQEMAPG[Thr786Ala]TFNPVIGDSS

ClinVar aggregate classification (germline): Uncertain significance (1 of 4 stars; one submission).

Conditions:
2-aminoadipic 2-oxoadipic aciduria (AAKAD). Also called: ALPHA-AMINOADIPIC AND ALPHA-KETOADIPIC ACIDURIA; Aminoadipic aciduria. Identifiers: Orphanet 79154, MedGen C1859817, MONDO:0008774, OMIM 204750.

Allele frequency attached by ClinVar (database versions not stated): gnomAD exomes below 0.00001.
gnomAD v4.1: 3 of 1,608,302 alleles (0.00019%); highest among the groups gnomAD compares: South Asian, 0.0011%; no homozygotes.

Submission:

Labcorp Genetics (formerly Invitae), Labcorp
Classification: Uncertain significance for 2-aminoadipic 2-oxoadipic aciduria. Last evaluated: 2023-12-07. Review status: criteria provided, single submitter. Criteria: Invitae Variant Classification Sherloc (09022015). Collection method: clinical testing. Allele origin: germline.
Comment: This sequence change replaces threonine, which is neutral and polar, with alanine, which is neutral and non-polar, at codon 786 of the DHTKD1 protein (p.Thr786Ala). This variant is not present in population databases (gnomAD no frequency). This variant has not been reported in the literature in individuals affected with DHTKD1-related conditions. An algorithm developed to predict the effect of missense changes on protein structure and function (PolyPhen-2) suggests that this variant is likely to be disruptive. In summary, the available evidence is currently insufficient to determine the role of this variant in disease. Therefore, it has been classified as a Variant of Uncertain Significance.